The following is an entry in ClinVar:

NM_002691.4(POLD1):c.2647A>G (p.Ile883Val)

Gene: POLD1 (DNA polymerase delta 1, catalytic subunit; plus strand). Cytogenetic location: 19q13.33.
Variant type: single nucleotide variant.
Coding change: c.2647A>G on transcript NM_002691.4 (MANE Select); coding-DNA position 2647, A replaced by G.
Protein change: p.Ile883Val; replaces isoleucine 883 with valine.
Molecular consequence: missense variant. On other transcripts: non-coding transcript variant (1).
Genome position (GRCh38, 1-based): chr19:50,415,520, A>G. VCF-style: chr19-50415520-A-G. GRCh37 (hg19) VCF-style: chr19-50918777-A-G.
Other names: c.2647A>G, p.Ile883Val (NM_001256849.1); c.2725A>G, p.Ile909Val (NM_001308632.1); short protein forms I909V, I883V.
Identifiers: ClinVar variation 1794260 (VCV001794260.4), dbSNP rs752090630, ClinGen allele CA9596601.

ClinVar aggregate classification (germline): Uncertain significance. Review status: criteria provided, multiple submitters, no conflicts (2 of 4 stars). 2 submissions from 2 submitters: Uncertain significance (2). Last evaluated 2024-03-20.

Conditions:
POLD1-related polyposis and colorectal cancer syndrome (CRCS10). Also called: Colorectal cancer 10; COLORECTAL CANCER, SUSCEPTIBILITY TO, ON CHROMOSOME 19q; Colorectal cancer, susceptibility to, 10. Identifiers: Orphanet 220460, MedGen C2675481, MONDO:0012953, OMIM 612591.
Hereditary cancer-predisposing syndrome. Also called: Tumor predisposition; Hereditary Cancer Syndrome; Hereditary neoplastic syndrome; Neoplastic Syndromes, Hereditary. Identifiers: Orphanet 140162, MedGen C0027672, MeSH D009386, MONDO:0015356.

Allele frequency attached by ClinVar (database versions not stated): gnomAD exomes below 0.00001; ExAC 0.00001.
gnomAD v4.1: 2 of 1,613,448 alleles (0.00012%); highest among the groups gnomAD compares: Admixed American, 0.0017%; no homozygotes.

Submissions (2):

Labcorp Genetics (formerly Invitae), Labcorp
Classification: Uncertain significance for POLD1-related polyposis and colorectal cancer syndrome. Last evaluated: 2024-03-20. Review status: criteria provided, single submitter. Criteria: Invitae Variant Classification Sherloc (09022015). Collection method: clinical testing. Allele origin: germline.
Comment: This sequence change replaces isoleucine, which is neutral and non-polar, with valine, which is neutral and non-polar, at codon 883 of the POLD1 protein (p.Ile883Val). This variant is present in population databases (rs752090630, gnomAD 0.0009%). This variant has not been reported in the literature in individuals affected with POLD1-related conditions. ClinVar contains an entry for this variant (Variation ID: 1794260). Advanced modeling of protein sequence and biophysical properties (such as structural, functional, and spatial information, amino acid conservation, physicochemical variation, residue mobility, and thermodynamic stability) performed at Invitae indicates that this missense variant is not expected to disrupt POLD1 protein function with a negative predictive value of 80%. In summary, the available evidence is currently insufficient to determine the role of this variant in disease. Therefore, it has been classified as a Variant of Uncertain Significance.

Ambry Genetics
Classification: Uncertain significance for Hereditary cancer-predisposing syndrome. Last evaluated: 2022-04-26. Review status: criteria provided, single submitter. Criteria: Ambry Variant Classification Scheme 2023. Collection method: clinical testing. Allele origin: germline.
Comment: The p.I883V variant (also known as c.2647A>G), located in coding exon 20 of the POLD1 gene, results from an A to G substitution at nucleotide position 2647. The isoleucine at codon 883 is replaced by valine, an amino acid with highly similar properties. This amino acid position is conserved. In addition, this alteration is predicted to be tolerated by in silico analysis. Since supporting evidence is limited at this time, the clinical significance of this alteration remains unclear.